The following is an entry in ClinVar:

NM_032656.4(DHX37):c.1405G>T (p.Ala469Ser)

Gene: DHX37 (DEAH-box helicase 37; minus strand). Cytogenetic location: 12q24.31.
Variant type: single nucleotide variant.
Coding change: c.1405G>T on transcript NM_032656.4 (MANE Select); coding-DNA position 1405, G replaced by T.
Protein change: p.Ala469Ser; replaces alanine 469 with serine.
Molecular consequence: missense variant.
Genome position (GRCh38, 1-based): chr12:124,968,537, C>A on the plus strand (G>T on the coding strand, the complement: DHX37 is on the minus strand). VCF-style: chr12-124968537-C-A. GRCh37 (hg19) VCF-style: chr12-125453083-C-A.
Other names: short protein forms A469S.
Identifiers: ClinVar variation 2057253 (VCV002057253.6), dbSNP rs138583236, ClinGen allele CA6872051.

ClinVar aggregate classification (germline): Uncertain significance. Review status: criteria provided, multiple submitters, no conflicts (2 of 4 stars). 3 submissions from 3 submitters: Uncertain significance (3). Last evaluated 2025-04-02.

Conditions:
Inborn genetic diseases. Identifiers: MedGen C0950123, MeSH D030342.
46,XY sex reversal 11. Also called: Vanishing testis; Testicular regression syndrome; ANORCHIA, FAMILIAL; TESTICULAR REGRESSION, EMBRYONIC. Identifiers: Orphanet 983, MedGen C0266427, MONDO:8000015, OMIM 273250, HP:0012870.
Neurodevelopmental disorder with brain anomalies and with or without vertebral or cardiac anomalies. Identifiers: MedGen C5231481, MONDO:0032888, OMIM 618731.

gnomAD v4.1: 119 of 1,612,852 alleles (0.0074%); highest among the groups gnomAD compares: East Asian, 0.033%; 1 homozygote.

Submissions (3):

Labcorp Genetics (formerly Invitae), Labcorp
Classification: Uncertain significance. Last evaluated: 2025-04-02. Review status: criteria provided, single submitter. Criteria: Invitae Variant Classification Sherloc (09022015). Collection method: clinical testing. Allele origin: germline.
Comment: This sequence change replaces alanine, which is neutral and non-polar, with serine, which is neutral and polar, at codon 469 of the DHX37 protein (p.Ala469Ser). This variant is present in population databases (rs138583236, gnomAD 0.05%). This variant has not been reported in the literature in individuals affected with DHX37-related conditions. ClinVar contains an entry for this variant (Variation ID: 2057253). Invitae Evidence Modeling of protein sequence and biophysical properties (such as structural, functional, and spatial information, amino acid conservation, physicochemical variation, residue mobility, and thermodynamic stability) indicates that this missense variant is not expected to disrupt DHX37 protein function with a negative predictive value of 80%. In summary, the available evidence is currently insufficient to determine the role of this variant in disease. Therefore, it has been classified as a Variant of Uncertain Significance.

Ambry Genetics
Classification: Uncertain significance for Inborn genetic diseases. Last evaluated: 2024-01-09. Review status: criteria provided, single submitter. Criteria: Ambry Variant Classification Scheme 2023. Collection method: clinical testing. Allele origin: germline.

Fulgent Genetics
Classification: Uncertain significance for 46,XY sex reversal 11; Neurodevelopmental disorder with brain anomalies and with or without vertebral or cardiac anomalies. Last evaluated: 2024-01-03. Review status: criteria provided, single submitter. Criteria: ACMG Guidelines, 2015. Collection method: clinical testing. Allele origin: germline.